The following is an entry in ClinVar:

ClinVar aggregate classification (germline): Conflicting classifications of pathogenicity. Review status: criteria provided, conflicting classifications (1 of 4 stars). 2 submissions from 2 submitters: Uncertain significance (1); Likely benign (1). Last evaluated 2025-12-27.

Conditions:
Familial cold autoinflammatory syndrome 3 (FCAS3). Also called: ANTIBODY DEFICIENCY AND IMMUNE DYSREGULATION, PLCG2-ASSOCIATED; FAMILIAL ATYPICAL COLD URTICARIA. Identifiers: Orphanet 300359, MedGen C3280914, MONDO:0013766, OMIM 614468.
Autoinflammation-PLCG2-associated antibody deficiency-immune dysregulation. Also called: Autoinflammation, antibody deficiency, and immune dysregulation syndrome; AUTOINFLAMMATION, ANTIBODY DEFICIENCY, AND IMMUNE DYSREGULATION; Autoinflammation, antibody deficiency, and immune dysregulation, plcg2-associated. Identifiers: Orphanet 324530, MedGen C3553961, MONDO:0013944, OMIM 614878.

Allele frequency attached by ClinVar (database versions not stated): ExAC 0.00004; gnomAD exomes 0.00004; gnomAD 0.00006 and 0.00008; TOPMed 0.00008.
gnomAD v4.1: 93 of 1,609,702 alleles (0.0058%); highest among the groups gnomAD compares: African/African-American, 0.017%; no homozygotes.

Submissions (2):

Labcorp Genetics (formerly Invitae), Labcorp
Classification: Likely benign for Familial cold autoinflammatory syndrome 3. Last evaluated: 2025-12-27. Review status: criteria provided, single submitter. Criteria: Invitae Variant Classification Sherloc (09022015). Collection method: clinical testing. Allele origin: germline.

Center for Genomics, Ann and Robert H. Lurie Children's Hospital of Chicago
Classification: Uncertain significance for Autoinflammation-PLCG2-associated antibody deficiency-immune dysregulation; Familial cold autoinflammatory syndrome 3. Review status: criteria provided, single submitter. Criteria: ACMG Guidelines, 2015. Collection method: clinical testing. Allele origin: germline.
Comment: PLCG2 NM_002661 exon 19 p.Ser677Ser (c.2031C>T): This variant has not been reported in the literature but is present in 6/23782 African alleles in the Genome Aggregation Database. Evolutionary conservation and computational predictive tools for this variant are limited or unavailable. Of note, this variant is a silent variant and does not change the amino acid, reducing the probability that this variant is disease causing. In summary, data on this variant is insufficient for disease classification. Therefore, the clinical significance of this variant is uncertain.

NM_002661.5(PLCG2):c.2031C>T (p.Ser677=)

Gene: PLCG2 (phospholipase C gamma 2; plus strand). Cytogenetic location: 16q23.3.
Variant type: single nucleotide variant.
Coding change: c.2031C>T on transcript NM_002661.5 (MANE Select); coding-DNA position 2031, C replaced by T.
Protein change: p.Ser677=; no amino-acid change (serine 677 retained).
Molecular consequence: synonymous variant.
Genome position (GRCh38, 1-based): chr16:81,912,693, C>T. VCF-style: chr16-81912693-C-T. GRCh37 (hg19) VCF-style: chr16-81946298-C-T.
Identifiers: ClinVar variation 626149 (VCV000626149.13), dbSNP rs759929786, ClinGen allele CA8194042.